The following is an entry in ClinVar:

NM_031443.4(CCM2):c.1012C>G (p.Leu338Val)

Gene: CCM2 (CCM2 scaffold protein; plus strand). Cytogenetic location: 7p13.
Variant type: single nucleotide variant.
Coding change: c.1012C>G on transcript NM_031443.4 (MANE Select); coding-DNA position 1012, C replaced by G.
Protein change: p.Leu338Val; replaces leucine 338 with valine.
Molecular consequence: missense variant. On other transcripts: non-coding transcript variant (1).
Genome position (GRCh38, 1-based): chr7:45,074,366, C>G. VCF-style: chr7-45074366-C-G. GRCh37 (hg19) VCF-style: chr7-45113965-C-G.
Other names: c.1075C>G, p.Leu359Val (NM_001029835.2); c.838C>G, p.Leu280Val (NM_001167934.2); c.739C>G, p.Leu247Val (NM_001167935.2); c.1135C>G, p.Leu379Val (NM_001363458.2); c.961C>G, p.Leu321Val (NM_001363459.2); short protein forms L247V, L280V, L321V, L338V, L359V, L379V.
Identifiers: ClinVar variation 3907299 (VCV003907299.1).

ClinVar aggregate classification (germline): Uncertain significance (1 of 4 stars; one submission).

Submission:

Women's Health and Genetics/Laboratory Corporation of America, LabCorp
Classification: Uncertain significance. Last evaluated: 2025-06-09. Review status: criteria provided, single submitter. Criteria: LabCorp Variant Classification Summary - May 2015. Collection method: clinical testing. Allele origin: germline.
Comment: Variant summary: CCM2 c.1012C>G (p.Leu338Val) results in a conservative amino acid change in the encoded protein sequence. Algorithms developed to predict the effect of missense changes on protein structure and function are either unavailable or do not agree on the potential impact of this missense change. The variant was absent in 250100 control chromosomes. The available data on variant occurrences in the general population are insufficient to allow any conclusion about variant significance. To our knowledge, no occurrence of c.1012C>G in individuals affected with Cerebral Cavernous Malformation 2 and no experimental evidence demonstrating its impact on protein function have been reported. No submitters have cited clinical-significance assessments for this variant to ClinVar. Based on the evidence outlined above, the variant was classified as uncertain significance.